The following is an entry in ClinVar:

NM_032578.4(MYPN):c.3006C>A (p.Cys1002Ter)

Gene: MYPN (myopalladin; plus strand). Cytogenetic location: 10q21.3.
Variant type: single nucleotide variant.
Coding change: c.3006C>A on transcript NM_032578.4 (MANE Select); coding-DNA position 3006, C replaced by A.
Protein change: p.Cys1002Ter; replaces cysteine 1002 with a stop codon.
Molecular consequence: nonsense. On other transcripts: non-coding transcript variant (2).
Genome position (GRCh38, 1-based): chr10:68,194,443, C>A. VCF-style: chr10-68194443-C-A. GRCh37 (hg19) VCF-style: chr10-69954200-C-A.
Other names: c.3006C>A, p.Cys1002Ter (NM_001256267.2); c.2124C>A, p.Cys708Ter (NM_001256268.2); short protein forms C708*, C1002*.
Identifiers: ClinVar variation 3710013 (VCV003710013.2).

ClinVar aggregate classification (germline): Pathogenic (1 of 4 stars; one submission).

Conditions:
Dilated cardiomyopathy 1KK (CMD1KK). Identifiers: Orphanet 154, Orphanet 75249, MedGen C3714995, MONDO:0014100, OMIM 615248.

Submission:

Labcorp Genetics (formerly Invitae), Labcorp
Classification: Pathogenic for Dilated cardiomyopathy 1KK. Last evaluated: 2025-03-03. Review status: criteria provided, single submitter. Criteria: Invitae Variant Classification Sherloc (09022015). Collection method: clinical testing. Allele origin: germline.
Comment: This sequence change creates a premature translational stop signal (p.Cys1002*) in the MYPN gene. It is expected to result in an absent or disrupted protein product. Loss-of-function variants in MYPN are known to be pathogenic (PMID: 28017374). This variant is not present in population databases (gnomAD no frequency). This variant has not been reported in the literature in individuals affected with MYPN-related conditions. For these reasons, this variant has been classified as Pathogenic.

Literature cited by the submitters: PubMed 28017374.